The following is an entry in ClinVar:

NM_007294.4(BRCA1):c.5547G>A (p.Glu1849=)

Gene: BRCA1 (BRCA1 DNA repair associated; minus strand). Cytogenetic location: 17q21.31.
Variant type: single nucleotide variant.
Coding change: c.5547G>A on transcript NM_007294.4 (MANE Select); coding-DNA position 5547, G replaced by A.
Protein change: p.Glu1849=; no amino-acid change (glutamic acid 1849 retained).
Molecular consequence: synonymous variant. On other transcripts: 3 prime UTR variant (17).
Genome position (GRCh38, 1-based): chr17:43,045,723, C>T on the plus strand (G>A on the coding strand, the complement: BRCA1 is on the minus strand). VCF-style: chr17-43045723-C-T. GRCh37 (hg19) VCF-style: chr17-41197740-C-T.
Other names: c.5403G>A, p.Glu1801= (NM_001407744.1, NM_001407745.1, NM_001407746.1 and 18 more transcripts); c.5400G>A, p.Glu1800= (NM_001407838.1, NM_001407839.1, NM_001407841.1 and 12 more transcripts); c.*61G>A (NM_001407854.1, NM_001407858.1, NM_001407859.1 and 14 more transcripts); c.5346G>A, p.Glu1782= (NM_001407862.1); c.5343G>A, p.Glu1781= (NM_001407863.1); c.5340G>A, p.Glu1780= (NM_001407874.1, NM_001407875.1); c.5337G>A, p.Glu1779= (NM_001407879.1, NM_001407881.1, NM_001407882.1 and 5 more transcripts); c.5334G>A, p.Glu1778= (NM_001407894.1, NM_001407895.1, NM_001407896.1 and 12 more transcripts); and 74 more.
Identifiers: ClinVar variation 482953 (VCV000482953.20), dbSNP rs1426388214, ClinGen allele CA500142888.
Genomic context (GRCh38, chr17:43,045,723, plus strand): 5'-TGTGGCTGGCTGCAGTCAGTAGTGGCTGTGGGGGATCTGGGGTATCAGGTAGGTGTCCAG[C>T]TCCTGGCACTGGTAGAGTGCTACACTGTCCAACACCCACTCTCGGGTCACCACAGGTGCC-3'
Protein context (NP_009225.1, residues 1839-1859): LDSVALYQCQ[Glu1849=]LDTYLIPQIP

ClinVar aggregate classification (germline): Likely benign. Review status: criteria provided, multiple submitters, no conflicts (2 of 4 stars). 4 submissions from 4 submitters: Likely benign (4). Last evaluated 2023-04-10.

Conditions:
Hereditary cancer-predisposing syndrome. Also called: Tumor predisposition; Hereditary Cancer Syndrome; Hereditary neoplastic syndrome; Neoplastic Syndromes, Hereditary. Identifiers: Orphanet 140162, MedGen C0027672, MeSH D009386, MONDO:0015356.
Hereditary breast ovarian cancer syndrome. Also called: Breast and ovarian cancer; Hereditary breast and/or ovarian cancer syndrome; BRCA1- and BRCA2-Associated Hereditary Breast and Ovarian Cancer; Hereditary breast and ovarian cancer syndrome; Hereditary breast and ovarian cancer syndrome (HBOC); Hereditary breast and ovarian cancer. Identifiers: Orphanet 145, MedGen C0677776, MeSH D061325, MONDO:0003582. Disease mechanism: loss of function.
Breast-ovarian cancer, familial, susceptibility to, 1 (BROVCA1). Also called: BRCA1 Hereditary Breast and Ovarian Cancer; OVARIAN CANCER, SUSCEPTIBILITY TO. Identifiers: Orphanet 145, MedGen C2676676, MONDO:0011450, OMIM 604370. Disease mechanism: loss of function.

Allele frequency attached by ClinVar (database versions not stated): gnomAD exomes below 0.00001.
gnomAD v4.1: 2 of 1,613,952 alleles (0.00012%); highest among the groups gnomAD compares: South Asian, 0.0011%; no homozygotes.

Submissions (5):

All of Us Research Program, National Institutes of Health
Classification: Likely benign for Breast-ovarian cancer, familial, susceptibility to, 1. Last evaluated: 2023-04-10. Review status: criteria provided, single submitter. Criteria: ACMG Guidelines, 2015. Collection method: clinical testing. Allele origin: germline. Inheritance: Autosomal dominant inheritance. Observed: 1 variant allele, 1 heterozygote.
Comment: This study involves interpretation of variants in research participants for the purpose of population health screening. Participant phenotype was not available at the time of variant classification. Additional details can be found in publication PMID: 35346344, PMCID: PMC8962531

Labcorp Genetics (formerly Invitae), Labcorp
Classification: Likely benign for Hereditary breast ovarian cancer syndrome. Last evaluated: 2022-08-21. Review status: criteria provided, single submitter. Criteria: Invitae Variant Classification Sherloc (09022015). Collection method: clinical testing. Allele origin: germline.

Ambry Genetics
Classification: Likely benign for Hereditary cancer-predisposing syndrome. Last evaluated: 2017-07-24. Review status: criteria provided, single submitter. Criteria: Ambry Variant Classification Scheme 2023. Collection method: clinical testing. Allele origin: germline.

Color Diagnostics, LLC DBA Color Health
Classification: Likely benign for Hereditary cancer-predisposing syndrome. Last evaluated: 2016-04-25. Review status: criteria provided, single submitter. Criteria: ACMG Guidelines, 2015. Collection method: clinical testing. Allele origin: germline.

Brotman Baty Institute, University of Washington
No classification provided (evidence only). Condition: Breast-ovarian cancer, familial 1. Review status: no classification provided. Collection method: in vitro. Allele origin: not applicable. Functional consequence: functionally_normal. Not counted in ClinVar's aggregate classification.
ClinVar note: "not provided" was previously submitted as the classification for the variant. However, the classification appeared to be based only on an observation of functional data so it was converted to no classification on 2025-07-30.